The following is an entry in ClinVar:

ClinVar aggregate classification (germline): Uncertain significance (1 of 4 stars; one submission).

Conditions:
Melanoma, cutaneous malignant, susceptibility to, 5. Also called: Cutaneous malignant melanoma 5. Identifiers: Orphanet 618, MedGen C2751295, MONDO:0013133, OMIM 613099.

Allele frequency attached by ClinVar (database versions not stated): TOPMed 0.00003; ExAC 0.00004; gnomAD 0.00005; gnomAD exomes 0.00005; ESP Exome Variant Server 0.00008.
gnomAD v4.1: 79 of 1,611,638 alleles (0.0049%); highest among the groups gnomAD compares: Non-Finnish European, 0.0049%; no homozygotes.

Submission:

Labcorp Genetics (formerly Invitae), Labcorp
Classification: Uncertain significance for Melanoma, cutaneous malignant, susceptibility to, 5. Last evaluated: 2025-12-01. Review status: criteria provided, single submitter. Criteria: Invitae Variant Classification Sherloc (09022015). Collection method: clinical testing. Allele origin: germline.
Comment: This sequence change replaces proline, which is neutral and non-polar, with leucine, which is neutral and non-polar, at codon 230 of the MC1R protein (p.Pro230Leu). This variant is present in population databases (rs368714912, gnomAD 0.03%). This missense change has been observed in individual(s) with melanoma (PMID: 11511307, 15998953, 22095472). ClinVar contains an entry for this variant (Variation ID: 941371). An algorithm developed to predict the effect of missense changes on protein structure and function outputs the following: PolyPhen-2: "Benign". The leucine amino acid residue is found in multiple mammalian species, which suggests that this missense change does not adversely affect protein function. In summary, the available evidence is currently insufficient to determine the role of this variant in disease. Therefore, it has been classified as a Variant of Uncertain Significance.

Literature cited by the submitters: PubMed 11511307; PubMed 15998953; PubMed 22095472.

NM_002386.4(MC1R):c.689C>T (p.Pro230Leu)

Gene: MC1R (melanocortin 1 receptor; plus strand). Cytogenetic location: 16q24.3.
Variant type: single nucleotide variant.
Coding change: c.689C>T on transcript NM_002386.4 (MANE Select); coding-DNA position 689, C replaced by T.
Protein change: p.Pro230Leu; replaces proline 230 with leucine.
Molecular consequence: missense variant.
Genome position (GRCh38, 1-based): chr16:89,919,947, C>T. VCF-style: chr16-89919947-C-T. GRCh37 (hg19) VCF-style: chr16-89986355-C-T.
Other names: short protein forms P230L.
Identifiers: ClinVar variation 941371 (VCV000941371.9), dbSNP rs368714912, ClinGen allele CA8255714.